The following is an entry in ClinVar:

ClinVar aggregate classification (germline): Likely benign. Review status: criteria provided, multiple submitters, no conflicts (2 of 4 stars). 4 submissions from 4 submitters: Likely benign (4). Last evaluated 2024-12-05.

gnomAD v4.1: 131 of 1,613,816 alleles (0.0081%); highest among the groups gnomAD compares: Non-Finnish European, 0.011%; no homozygotes.

Submissions (4):

Mayo Clinic Laboratories, Mayo Clinic
Classification: Likely benign. Last evaluated: 2024-12-05. Review status: criteria provided, single submitter. Criteria: ACMG Guidelines, 2015. Collection method: clinical testing. Allele origin: germline. Observed: 1 variant allele.
Comment: BP4, BP7, PM2_supporting

Blueprint Genetics
Classification: Likely benign. Last evaluated: 2024-11-21. Review status: criteria provided, single submitter. Criteria: ACMG Guidelines, 2015. Collection method: clinical testing. Allele origin: germline.

Labcorp Genetics (formerly Invitae), Labcorp
Classification: Likely benign. Last evaluated: 2024-11-19. Review status: criteria provided, single submitter. Criteria: Invitae Variant Classification Sherloc (09022015). Collection method: clinical testing. Allele origin: germline.

ARUP Laboratories, Molecular Genetics and Genomics, ARUP Laboratories
Classification: Likely benign. Last evaluated: 2024-09-24. Review status: criteria provided, single submitter. Criteria: ARUP Molecular Germline Variant Investigation Process 2024. Collection method: clinical testing. Allele origin: germline.

NM_001355436.2(SPTB):c.5406C>T (p.Tyr1802=)

Gene: SPTB (spectrin beta, erythrocytic; minus strand). Cytogenetic location: 14q23.3.
Variant type: single nucleotide variant.
Coding change: c.5406C>T on transcript NM_001355436.2 (MANE Select); coding-DNA position 5406, C replaced by T.
Protein change: p.Tyr1802=; no amino-acid change (tyrosine 1802 retained).
Molecular consequence: synonymous variant.
Genome position (GRCh38, 1-based): chr14:64,772,727, G>A on the plus strand (C>T on the coding strand, the complement: SPTB is on the minus strand). VCF-style: chr14-64772727-G-A. GRCh37 (hg19) VCF-style: chr14-65239445-G-A.
Other names: p.Tyr1802=; c.5406C>T, p.Tyr1802= (NM_001024858.4, NM_001355437.2).
Identifiers: ClinVar variation 3647891 (VCV003647891.5).
Genomic context (GRCh38, chr14:64,772,727, plus strand): 5'-CTCGGGCAGCTCGCGGTGCTTCTCGTCGATGAGGCCCAGGATCTCGGCACCCGTGTAGAA[G>A]TAGCGGTGCAGGTCATAGGAGGCGGCCAGCAGCTGCATGCGCGTGTCAATGAGCTCCAGG-3'
Protein context (NP_001342365.1, residues 1792-1812): LLAASYDLHR[Tyr1802=]FYTGAEILGL